The following is an entry in ClinVar:

NM_006941.4(SOX10):c.294C>G (p.Ser98Arg)

Genes: POLR2F (RNA polymerase II, I and III subunit F; plus strand), SOX10 (SRY-box transcription factor 10; minus strand). Cytogenetic location: 22q13.1.
Variant type: single nucleotide variant.
Coding change: c.294C>G on transcript NM_006941.4 (MANE Select); coding-DNA position 294, C replaced by G.
Protein change: p.Ser98Arg; replaces serine 98 with arginine.
Molecular consequence: missense variant. On other transcripts: intron variant (3).
Genome position (GRCh38, 1-based): chr22:37,983,491, G>C on the plus strand (C>G on the coding strand, the complement: SOX10 is on the minus strand). VCF-style: chr22-37983491-G-C. GRCh37 (hg19) VCF-style: chr22-38379498-G-C.
Other names: c.*38+11181G>C (NM_001363825.1); c.294-2663G>C (NM_001301130.2); c.293+16321G>C (NM_001301131.2); short protein forms S98R.
Identifiers: ClinVar variation 2127667 (VCV002127667.5), dbSNP rs2518052482, ClinGen allele CA411500992.

ClinVar aggregate classification (germline): Uncertain significance. Review status: criteria provided, multiple submitters, no conflicts (2 of 4 stars). 2 submissions from 2 submitters: Uncertain significance (2). Last evaluated 2024-03-13.

Submissions (2):

GeneDx
Classification: Uncertain significance. Last evaluated: 2024-03-13. Review status: criteria provided, single submitter. Criteria: GeneDx Variant Classification Process June 2021. Collection method: clinical testing. Allele origin: germline. Affected: yes.
Comment: Not observed at significant frequency in large population cohorts (gnomAD); In silico analysis supports that this missense variant has a deleterious effect on protein structure/function; Has not been previously published as pathogenic or benign to our knowledge

Labcorp Genetics (formerly Invitae), Labcorp
Classification: Uncertain significance. Last evaluated: 2022-05-22. Review status: criteria provided, single submitter. Criteria: Invitae Variant Classification Sherloc (09022015). Collection method: clinical testing. Allele origin: germline.
Comment: In summary, the available evidence is currently insufficient to determine the role of this variant in disease. Therefore, it has been classified as a Variant of Uncertain Significance. Algorithms developed to predict the effect of missense changes on protein structure and function (SIFT, PolyPhen-2, Align-GVGD) all suggest that this variant is likely to be tolerated. This variant has not been reported in the literature in individuals affected with SOX10-related conditions. This variant is not present in population databases (gnomAD no frequency). This sequence change replaces serine, which is neutral and polar, with arginine, which is basic and polar, at codon 98 of the SOX10 protein (p.Ser98Arg).